The following is an entry in ClinVar:

NM_015065.3(EXPH5):c.324T>C (p.Asn108=)

Gene: EXPH5 (exophilin 5; minus strand). Cytogenetic location: 11q22.3.
Variant type: single nucleotide variant.
Coding change: c.324T>C on transcript NM_015065.3 (MANE Select); coding-DNA position 324, T replaced by C.
Protein change: p.Asn108=; no amino-acid change (asparagine 108 retained).
Molecular consequence: synonymous variant.
Genome position (GRCh38, 1-based): chr11:108,539,143, A>G on the plus strand (T>C on the coding strand, the complement: EXPH5 is on the minus strand). VCF-style: chr11-108539143-A-G. GRCh37 (hg19) VCF-style: chr11-108409870-A-G.
Other names: c.96T>C, p.Asn32= (NM_001144763.2); c.303T>C, p.Asn101= (NM_001308019.2).
Identifiers: ClinVar variation 774478 (VCV000774478.13), dbSNP rs114174097, ClinGen allele CA6268301.
Genomic context (GRCh38, chr11:108,539,143, plus strand): 5'-CAGGGAAGCAAATGACGATCTGAAGCTCATCCGGGAAGAAAAAGGTGTCGGCTTTTTTTG[A>G]TTAGTTACATTTTTAGATCTTGATGTAGGTAATTCTATCGGATCTAGAAAAAAAAATTGT-3'
Protein context (NP_055880.2, residues 98-118): LPTSRSKNVT[Asn108=]QKKPTPFSSR

ClinVar aggregate classification (germline): Benign/Likely benign. Review status: criteria provided, multiple submitters, no conflicts (2 of 4 stars). 4 submissions from 4 submitters: Benign (2); Likely benign (1). 1 of the submissions does not count toward it. Last evaluated 2025-12-22.

Conditions:
EXPH5-related disorder. Also called: EXPH5-related condition.

Allele frequency attached by ClinVar (database versions not stated): 1000 Genomes Project 30x 0.00156; 1000 Genomes Project 0.00160; ExAC 0.00198; ESP Exome Variant Server 0.00200; gnomAD 0.00214 and 0.00230; gnomAD exomes 0.00229 and 0.00314; TOPMed 0.00269.
gnomAD v4.1: 4,885 of 1,610,082 alleles (0.3%); highest among the groups gnomAD compares: Admixed American, 0.46%; 11 homozygotes.

Submissions (4):

Labcorp Genetics (formerly Invitae), Labcorp
Classification: Benign. Last evaluated: 2025-12-22. Review status: criteria provided, single submitter. Criteria: Invitae Variant Classification Sherloc (09022015). Collection method: clinical testing. Allele origin: germline.

Blueprint Genetics
Classification: Likely benign. Last evaluated: 2024-11-23. Review status: criteria provided, single submitter. Criteria: ACMG Guidelines, 2015. Collection method: clinical testing. Allele origin: germline.

Breakthrough Genomics
Classification: Benign. Review status: criteria provided, single submitter. Criteria: ACMG Guidelines, 2015. Collection method: not provided. Allele origin: germline. Inheritance: Autosomal recessive inheritance. Affected: yes.

PreventionGenetics, part of Exact Sciences
Classification: Benign for EXPH5-related condition. Last evaluated: 2023-12-29. Review status: no assertion criteria provided. Collection method: clinical testing. Allele origin: germline. Not counted in ClinVar's aggregate classification.
Comment: This variant is classified as benign based on ACMG/AMP sequence variant interpretation guidelines (Richards et al. 2015 PMID: 25741868, with internal and published modifications).